The following is an entry in ClinVar:

NM_002755.4(MAP2K1):c.729G>T (p.Gln243His)

Gene: MAP2K1 (mitogen-activated protein kinase kinase 1; plus strand). Cytogenetic location: 15q22.31.
Variant type: single nucleotide variant.
Coding change: c.729G>T on transcript NM_002755.4 (MANE Select); coding-DNA position 729, G replaced by T.
Protein change: p.Gln243His; replaces glutamine 243 with histidine.
Molecular consequence: missense variant.
Genome position (GRCh38, 1-based): chr15:66,485,025, G>T. VCF-style: chr15-66485025-G-T. GRCh37 (hg19) VCF-style: chr15-66777363-G-T.
Other names: short protein forms Q243H.
Identifiers: ClinVar variation 228847 (VCV000228847.17), dbSNP rs772752167, ClinGen allele CA10577000.

ClinVar aggregate classification (germline): Uncertain significance. Review status: criteria provided, multiple submitters, no conflicts (2 of 4 stars). 4 submissions from 4 submitters: Uncertain significance (4). Last evaluated 2026-01-02.

Conditions:
RASopathy. Also called: rasopathies; Noonan spectrum disorder. Identifiers: Orphanet 536391, MedGen C5555857, MONDO:0021060.
Cardiovascular phenotype. Identifiers: MedGen CN230736.

gnomAD v4.1: 9 of 1,613,736 alleles (0.00056%); highest among the groups gnomAD compares: Admixed American, 0.005%; no homozygotes.

Submissions (4):

Ambry Genetics
Classification: Uncertain significance for Cardiovascular phenotype. Last evaluated: 2026-01-02. Review status: criteria provided, single submitter. Criteria: Ambry Variant Classification Scheme 2023. Collection method: clinical testing. Allele origin: germline.
Comment: The p.Q243H variant (also known as c.729G>T), located in coding exon 7 of the MAP2K1 gene, results from a G to T substitution at nucleotide position 729. The glutamine at codon 243 is replaced by histidine, an amino acid with highly similar properties. This amino acid position is conserved. In addition, this alteration is predicted to be deleterious by in silico analysis. Based on the available evidence, the clinical significance of this variant remains unclear.

Labcorp Genetics (formerly Invitae), Labcorp
Classification: Uncertain significance for RASopathy. Last evaluated: 2025-09-24. Review status: criteria provided, single submitter. Criteria: Invitae Variant Classification Sherloc (09022015). Collection method: clinical testing. Allele origin: germline.
Comment: This sequence change replaces glutamine, which is neutral and polar, with histidine, which is basic and polar, at codon 243 of the MAP2K1 protein (p.Gln243His). This variant is present in population databases (no rsID available, gnomAD 0.003%). This variant has not been reported in the literature in individuals affected with MAP2K1-related conditions. ClinVar contains an entry for this variant (Variation ID: 228847). Invitae Evidence Modeling of protein sequence and biophysical properties (such as structural, functional, and spatial information, amino acid conservation, physicochemical variation, residue mobility, and thermodynamic stability) has been performed for this missense variant. However, the output from this modeling did not meet the statistical confidence thresholds required to predict the impact of this variant on MAP2K1 protein function. In summary, the available evidence is currently insufficient to determine the role of this variant in disease. Therefore, it has been classified as a Variant of Uncertain Significance.

Mayo Clinic Laboratories, Mayo Clinic
Classification: Uncertain significance. Last evaluated: 2019-08-03. Review status: criteria provided, single submitter. Criteria: ACMG Guidelines, 2015. Collection method: clinical testing. Allele origin: germline. Observed: 1 variant allele.

Laboratory for Molecular Medicine, Mass General Brigham Personalized Medicine
Classification: Uncertain significance. Last evaluated: 2015-09-08. Review status: criteria provided, single submitter. Criteria: LMM Criteria. Collection method: clinical testing. Allele origin: germline. Observed: 2 variant alleles.
Comment: It has not been identified in large population studie s. Computational prediction tools and conservation analysis do not provide stron g support for or against an impact to the protein. In summary, the clinical sign ificance of the p.Gln243His variant is uncertain.